The following is an entry in ClinVar:

ClinVar aggregate classification (germline): Pathogenic (1 of 4 stars; one submission).

Conditions:
Hereditary spastic paraplegia 11. Also called: Spastic paraplegia, mental retardation and thin corpus callosum; SPASTIC PARAPLEGIA, AUTOSOMAL RECESSIVE, COMPLICATED, WITH THIN CORPUS CALLOSUM; SPASTIC PARAPLEGIA, AUTOSOMAL RECESSIVE, WITH MENTAL IMPAIRMENT AND THIN CORPUS CALLOSUM; Nakamura Osame syndrome; Autosomal recessive hereditary spastic paraplegia, mental impairment, and thin corpus callosum; Spastic Paraplegia 11. Identifiers: Orphanet 2822, MedGen C1858479, MONDO:0011445, OMIM 604360.

Submission:

Labcorp Genetics (formerly Invitae), Labcorp
Classification: Pathogenic for Hereditary spastic paraplegia 11. Last evaluated: 2025-09-23. Review status: criteria provided, single submitter. Criteria: Invitae Variant Classification Sherloc (09022015). Collection method: clinical testing. Allele origin: germline.
Comment: This sequence change creates a premature translational stop signal (p.Glu1707Argfs*2) in the SPG11 gene. It is expected to result in an absent or disrupted protein product. Loss-of-function variants in SPG11 are known to be pathogenic (PMID: 19105190, 20110243, 22154821, 26556829). This variant is not present in population databases (gnomAD no frequency). This variant has not been reported in the literature in individuals affected with SPG11-related conditions. For these reasons, this variant has been classified as Pathogenic.

Literature cited by the submitters: PubMed 19105190; PubMed 20110243; PubMed 22154821; PubMed 26556829.

NM_025137.4(SPG11):c.5118del (p.Glu1707fs)

Gene: SPG11 (SPG11 vesicle trafficking associated, spatacsin; minus strand). Cytogenetic location: 15q21.1.
Variant type: Deletion.
Coding change: c.5118del on transcript NM_025137.4 (MANE Select); coding-DNA position 5118, one base deleted (A; older notation c.5118delA).
Protein change: p.Glu1707fs; shifts the reading frame from glutamic acid 1707.
Molecular consequence: frameshift variant.
Genome position (GRCh38, 1-based): chr15:44,585,639, T deleted on the plus strand (A on the coding strand, the reverse complement: SPG11 is on the minus strand); the first of 3 consecutive T bases (chr15:44,585,639-44,585,641); deleting any one gives the same sequence. VCF-style (leftmost placement, unchanged base first): chr15-44585638-CT-C. GRCh37 (hg19) VCF-style: chr15-44877836-CT-C.
Other names: c.5118del, p.Glu1707fs (NM_001160227.2, NM_001411132.1); short protein forms E1707fs.
Identifiers: ClinVar variation 4727772 (VCV004727772.1).